The following is an entry in ClinVar:

NM_152730.6(TBC1D32):c.2545G>T (p.Glu849Ter)

Gene: TBC1D32 (TBC1 domain family member 32; minus strand). Cytogenetic location: 6q22.31.
Variant type: single nucleotide variant.
Coding change: c.2545G>T on transcript NM_152730.6 (MANE Select); coding-DNA position 2545, G replaced by T.
Protein change: p.Glu849Ter; replaces glutamic acid 849 with a stop codon.
Molecular consequence: nonsense. On other transcripts: non-coding transcript variant (1).
Genome position (GRCh38, 1-based): chr6:121,205,100, C>A on the plus strand (G>T on the coding strand, the complement: TBC1D32 is on the minus strand). VCF-style: chr6-121205100-C-A. GRCh37 (hg19) VCF-style: chr6-121526246-C-A.
Other names: c.2545G>T, p.Glu849Ter (NM_001367759.1, NM_001367760.1); short protein forms E849*.
Identifiers: ClinVar variation 2632969 (VCV002632969.1), dbSNP rs1434804006, ClinGen allele CA365468903.
Genomic context (GRCh38, chr6:121,205,100, plus strand): 5'-AAATATAATATCAAAAGTAAAATGTAGCATTTTACCTTAGACCAAAGATATGTGATTGTT[C>A]ATAGTTGAATAAAGAACGAATCTTAGCTTCAGAATTCAAAATTATAAGTCTATCAATAAT-3'

ClinVar aggregate classification (germline): Likely pathogenic (1 of 4 stars; one submission).

Conditions:
TBC1D32-related disorder. Also called: TBC1D32-related condition.

Allele frequency attached by ClinVar (database versions not stated): TOPMed 0.00001.

Submission:

PreventionGenetics, part of Exact Sciences
Classification: Likely pathogenic for TBC1D32-related condition. Last evaluated: 2023-06-06. Review status: criteria provided, single submitter. Criteria: ACMG Guidelines, 2015. Collection method: clinical testing. Allele origin: germline.
Comment: The TBC1D32 c.2545G>T variant is predicted to result in premature protein termination (p.Glu849*). To our knowledge, this variant has not been reported in the literature or in a large population database, indicating this variant is rare. Nonsense variants in TBC1D32 are expected to be pathogenic. This variant is interpreted as likely pathogenic.